The following is an entry in ClinVar:

ClinVar aggregate classification (germline): Uncertain significance (1 of 4 stars; one submission).

Conditions:
SEMA3B-related disorder. Also called: SEMA3B-related condition.

gnomAD v4.1: 6 of 1,562,562 alleles (0.00038%); highest among the groups gnomAD compares: African/African-American, 0.0014%; no homozygotes.

Submission:

PreventionGenetics, part of Exact Sciences
Classification: Uncertain significance for SEMA3B-related condition. Last evaluated: 2026-01-21. Review status: criteria provided, single submitter. Criteria: ACMG Guidelines, 2015. Collection method: clinical testing. Allele origin: germline.
Comment: The SEMA3B c.1282C>T variant is predicted to result in premature protein termination (p.Gln428*). To our knowledge, this variant has not been reported in the literature or in a large population database (gnomAD), indicating this variant is rare. Loss-of-function is not an established mechanism of SEMA3B-related disease. At this time, the clinical significance of this variant is uncertain due to the absence of conclusive functional and genetic evidence.

NM_001290060.2(SEMA3B):c.1267C>T (p.Gln423Ter)

Gene: SEMA3B (semaphorin 3B; plus strand). Cytogenetic location: 3p21.31.
Variant type: single nucleotide variant.
Coding change: c.1267C>T on transcript NM_001290060.2 (MANE Select); coding-DNA position 1267, C replaced by T.
Protein change: p.Gln423Ter; replaces glutamine 423 with a stop codon.
Molecular consequence: nonsense. On other transcripts: non-coding transcript variant (1).
Genome position (GRCh38, 1-based): chr3:50,274,492, C>T. VCF-style: chr3-50274492-C-T. GRCh37 (hg19) VCF-style: chr3-50311923-C-T.
Other names: c.1264C>T, p.Gln422Ter (NM_001005914.3, NM_001435957.1, NM_001435958.1); c.1282C>T, p.Gln428Ter (NM_001290061.1); c.238C>T, p.Gln80Ter (NM_001290062.2, NM_001290063.2); c.1267C>T, p.Gln423Ter (NM_001435956.1, NM_004636.4); short protein forms Q428*, Q80*, Q422*, Q423*.
Identifiers: ClinVar variation 4991724 (VCV004991724.1).